The following is an entry in ClinVar:

ClinVar aggregate classification (germline): Likely benign. Review status: criteria provided, multiple submitters, no conflicts (2 of 4 stars). 2 submissions from 2 submitters: Likely benign (2). Last evaluated 2024-04-25.

Conditions:
Neuronopathy, distal hereditary motor, autosomal recessive 4. Also called: NEUROPATHY, DISTAL HEREDITARY MOTOR, AUTOSOMAL RECESSIVE 4; Autosomal recessive lower motor neuron disease with childhood onset. Identifiers: Orphanet 206580, MedGen C1970211, MONDO:0012608, OMIM 611067.
Charcot-Marie-Tooth disease recessive intermediate C. Also called: CHARCOT-MARIE-TOOTH NEUROPATHY, RECESSIVE INTERMEDIATE C. Identifiers: Orphanet 369867, MedGen C3809309, MONDO:0014154, OMIM 615376.

Allele frequency attached by ClinVar (database versions not stated): ExAC 0.00002; gnomAD 0.00003; gnomAD exomes 0.00005; TOPMed 0.00007.
gnomAD v4.1: 19 of 1,612,080 alleles (0.0012%); highest among the groups gnomAD compares: Admixed American, 0.03%; no homozygotes.

Submissions (2):

Labcorp Genetics (formerly Invitae), Labcorp
Classification: Likely benign for Neuronopathy, distal hereditary motor, autosomal recessive 4; Charcot-Marie-Tooth disease recessive intermediate C. Last evaluated: 2024-04-25. Review status: criteria provided, single submitter. Criteria: Invitae Variant Classification Sherloc (09022015). Collection method: clinical testing. Allele origin: germline.

GeneDx
Classification: Likely benign. Last evaluated: 2017-12-11. Review status: criteria provided, single submitter. Criteria: GeneDx Variant Classification (06012015). Collection method: clinical testing. Allele origin: germline. Affected: yes.
Comment: This variant is considered likely benign or benign based on one or more of the following criteria: it is a conservative change, it occurs at a poorly conserved position in the protein, it is predicted to be benign by multiple in silico algorithms, and/or has population frequency not consistent with disease.

NM_020631.6(PLEKHG5):c.210+16G>T

Gene: PLEKHG5 (pleckstrin homology and RhoGEF domain containing G5; minus strand). Cytogenetic location: 1p36.31.
Variant type: single nucleotide variant.
Coding change: c.210+16G>T on transcript NM_020631.6 (MANE Select); 16 bases into the intron after coding-DNA position 210, G replaced by T.
Molecular consequence: intron variant.
Genome position (GRCh38, 1-based): chr1:6,475,446, C>A on the plus strand (G>T on the coding strand, the complement: PLEKHG5 is on the minus strand). VCF-style: chr1-6475446-C-A. GRCh37 (hg19) VCF-style: chr1-6535506-C-A.
Other names: c.210+16G>T (NM_198681.4, NM_001265594.3, NM_001042664.2 and 1 more transcripts); c.321+16G>T (NM_001042663.3, NM_001265592.2); c.417+16G>T (NM_001265593.2).
Identifiers: ClinVar variation 513918 (VCV000513918.4), dbSNP rs751082247, ClinGen allele CA561952.